The following is an entry in ClinVar:

NC_000005.9:g.(?_79961052)_(79962797_?)del

Gene: MSH3 (mutS homolog 3; plus strand). Cytogenetic location: 5q14.1.
Variant type: Deletion.
Identifiers: ClinVar variation 3246501 (VCV003246501.1).

ClinVar aggregate classification (germline): Likely pathogenic (1 of 4 stars; one submission).

Submission:

Labcorp Genetics (formerly Invitae), Labcorp
Classification: Likely pathogenic. Last evaluated: 2023-05-04. Review status: criteria provided, single submitter. Criteria: Invitae Variant Classification Sherloc (09022015). Collection method: clinical testing. Allele origin: unknown.
Comment: In summary, the currently available evidence indicates that the variant is pathogenic, but additional data are needed to prove that conclusively. Therefore, this variant has been classified as Likely Pathogenic. Studies have shown that this variant results in skipping of exon 3 and introduces a premature termination codon (Invitae). The resulting mRNA is expected to undergo nonsense-mediated decay. This variant has not been reported in the literature in individuals affected with MSH3-related conditions. This variant results in the deletion of part of exon 3 (c.449_579+1615del) of the MSH3 gene. RNA analysis indicates that this variant induces altered splicing and may result in an absent or disrupted protein product.